The following is an entry in ClinVar:

NM_024884.3(L2HGDH):c.845G>C (p.Arg282Pro)

Gene: L2HGDH (L-2-hydroxyglutarate dehydrogenase; minus strand). Cytogenetic location: 14q21.3.
Variant type: single nucleotide variant.
Coding change: c.845G>C on transcript NM_024884.3 (MANE Select); coding-DNA position 845, G replaced by C.
Protein change: p.Arg282Pro; replaces arginine 282 with proline.
Molecular consequence: missense variant.
Genome position (GRCh38, 1-based): chr14:50,269,224, C>G on the plus strand (G>C on the coding strand, the complement: L2HGDH is on the minus strand). VCF-style: chr14-50269224-C-G. GRCh37 (hg19) VCF-style: chr14-50735942-C-G.
Other names: short protein forms R282P.
Identifiers: ClinVar variation 2148644 (VCV002148644.4), dbSNP rs765312282, ClinGen allele CA389650379.

ClinVar aggregate classification (germline): Uncertain significance (1 of 4 stars; one submission).

Conditions:
L-2-hydroxyglutaric aciduria (L2HGA). Identifiers: Orphanet 79314, MedGen C1855995, MONDO:0009370, OMIM 236792, HP:0040144.

Submission:

Labcorp Genetics (formerly Invitae), Labcorp
Classification: Uncertain significance for L-2-hydroxyglutaric aciduria. Last evaluated: 2022-06-22. Review status: criteria provided, single submitter. Criteria: Invitae Variant Classification Sherloc (09022015). Collection method: clinical testing. Allele origin: germline.
Comment: In summary, the available evidence is currently insufficient to determine the role of this variant in disease. Therefore, it has been classified as a Variant of Uncertain Significance. This variant disrupts the p.Arg282 amino acid residue in L2HGDH. Other variant(s) that disrupt this residue have been observed in individuals with L2HGDH-related conditions (PMID: 18362286, 20052767), which suggests that this may be a clinically significant amino acid residue. Algorithms developed to predict the effect of missense changes on protein structure and function are either unavailable or do not agree on the potential impact of this missense change (SIFT: "Deleterious"; PolyPhen-2: "Probably Damaging"; Align-GVGD: "Class C0"). This variant has not been reported in the literature in individuals affected with L2HGDH-related conditions. This variant is not present in population databases (gnomAD no frequency). This sequence change replaces arginine, which is basic and polar, with proline, which is neutral and non-polar, at codon 282 of the L2HGDH protein (p.Arg282Pro).

Literature cited by the submitters: PubMed 18362286; PubMed 20052767.